The following is an entry in ClinVar:

NM_002661.5(PLCG2):c.714C>T (p.Ala238=)

Gene: PLCG2 (phospholipase C gamma 2; plus strand). Cytogenetic location: 16q23.3.
Variant type: single nucleotide variant.
Coding change: c.714C>T on transcript NM_002661.5 (MANE Select); coding-DNA position 714, C replaced by T.
Protein change: p.Ala238=; no amino-acid change (alanine 238 retained).
Molecular consequence: synonymous variant.
Genome position (GRCh38, 1-based): chr16:81,883,290, C>T. VCF-style: chr16-81883290-C-T. GRCh37 (hg19) VCF-style: chr16-81916895-C-T.
Other names: p.Ala238=.
Identifiers: ClinVar variation 618830 (VCV000618830.29), dbSNP rs138981519, ClinGen allele CA8193400.

ClinVar aggregate classification (germline): Benign/Likely benign. Review status: criteria provided, multiple submitters, no conflicts (2 of 4 stars). 7 submissions from 7 submitters: Benign (1); Likely benign (4). 2 of the submissions do not count toward it. Last evaluated 2026-02-01.

Conditions:
Familial cold autoinflammatory syndrome 3 (FCAS3). Also called: ANTIBODY DEFICIENCY AND IMMUNE DYSREGULATION, PLCG2-ASSOCIATED; FAMILIAL ATYPICAL COLD URTICARIA. Identifiers: Orphanet 300359, MedGen C3280914, MONDO:0013766, OMIM 614468.

Allele frequency attached by ClinVar (database versions not stated): gnomAD exomes 0.00024 and 0.00056; ExAC 0.00069; 1000 Genomes Project 0.00160; 1000 Genomes Project 30x 0.00172; ESP Exome Variant Server 0.00174; gnomAD 0.00218 and 0.00237; TOPMed 0.00267.
gnomAD v4.1: 712 of 1,614,172 alleles (0.044%); highest among the groups gnomAD compares: African/African-American, 0.73%; no homozygotes.

Submissions (7):

CeGaT Center for Human Genetics Tuebingen
Classification: Likely benign. Last evaluated: 2026-02-01. Review status: criteria provided, single submitter. Criteria: CeGaT Center For Human Genetics Tuebingen Variant Classification Criteria Version 2. Collection method: clinical testing. Allele origin: germline. Affected: yes. Observed: 2 variant alleles.
Comment: PLCG2: BP4, BP7

Labcorp Genetics (formerly Invitae), Labcorp
Classification: Benign for Familial cold autoinflammatory syndrome 3. Last evaluated: 2025-12-30. Review status: criteria provided, single submitter. Criteria: Invitae Variant Classification Sherloc (09022015). Collection method: clinical testing. Allele origin: germline.

Mayo Clinic Laboratories, Mayo Clinic
Classification: Likely benign. Last evaluated: 2025-01-20. Review status: criteria provided, single submitter. Criteria: ACMG Guidelines, 2015. Collection method: clinical testing. Allele origin: germline. Observed: 4 variant alleles.
Comment: BS1, BP4, BP7

Blueprint Genetics
Classification: Likely benign. Last evaluated: 2024-04-18. Review status: criteria provided, single submitter. Criteria: ACMG Guidelines, 2015. Collection method: clinical testing. Allele origin: germline.

ARUP Laboratories, Molecular Genetics and Genomics, ARUP Laboratories
Classification: Likely benign. Last evaluated: 2023-08-10. Review status: criteria provided, single submitter. Criteria: ARUP Molecular Germline Variant Investigation Process 2024. Collection method: clinical testing. Allele origin: germline.

Clinical Genetics DNA and cytogenetics Diagnostics Lab, Erasmus MC, Erasmus Medical Center
Classification: Likely benign. Review status: no assertion criteria provided. Collection method: clinical testing. Allele origin: germline. Affected: yes. Study: VKGL Data-share Consensus. Not counted in ClinVar's aggregate classification.

Genome Diagnostics Laboratory, University Medical Center Utrecht
Classification: Likely benign. Review status: no assertion criteria provided. Collection method: clinical testing. Allele origin: germline. Affected: yes. Study: VKGL Data-share Consensus. Not counted in ClinVar's aggregate classification.